The following is an entry in ClinVar:

NM_006343.3(MERTK):c.2755G>T (p.Val919Phe)

Gene: MERTK (MER proto-oncogene, tyrosine kinase; plus strand). Cytogenetic location: 2q13.
Variant type: single nucleotide variant.
Coding change: c.2755G>T on transcript NM_006343.3 (MANE Select); coding-DNA position 2755, G replaced by T.
Protein change: p.Val919Phe; replaces valine 919 with phenylalanine.
Molecular consequence: missense variant.
Genome position (GRCh38, 1-based): chr2:112,028,619, G>T. VCF-style: chr2-112028619-G-T. GRCh37 (hg19) VCF-style: chr2-112786196-G-T.
Other names: short protein forms V919F.
Identifiers: ClinVar variation 3544453 (VCV003544453.1).
Genomic context (GRCh38, chr2:112,028,619, plus strand): 5'-CCTGACTCTATAATTGCCTCCTGCACTCCCCGCGCTGCCATCAGTGTGGTCACAGCAGAA[G>T]TTCATGACAGCAAACCTCATGAAGGACGGTACATCCTGAATGGGGGCAGTGAGGAATGGG-3'
Protein context (NP_006334.2, residues 909-929): RAAISVVTAE[Val919Phe]HDSKPHEGRY

ClinVar aggregate classification (germline): Uncertain significance (1 of 4 stars; one submission).

Conditions:
Cone-rod dystrophy. Also called: Cone-rod degeneration; Cone/cone-rod dystrophy. Identifiers: Orphanet 1872, MedGen C4085590, MONDO:0015993, HP:0000548.

Submission:

Lab De Baere, Eye and Developmental Genetics Lab, Ghent University
Classification: Uncertain significance for Cone-rod dystrophy. Last evaluated: 2024-10-01. Review status: criteria provided, single submitter. Criteria: ACMG Guidelines, 2015. Collection method: research. Allele origin: inherited. Affected: yes. Observed: 1 variant allele.
Comment: ACMG/AMP guidelines: PM2, BP4